The following is an entry in ClinVar:

ClinVar aggregate classification (germline): Uncertain significance (1 of 4 stars; one submission).

Submission:

GeneDx
Classification: Uncertain significance. Last evaluated: 2025-01-07. Review status: criteria provided, single submitter. Criteria: GeneDx Variant Classification Process June 2021. Collection method: clinical testing. Allele origin: germline. Affected: yes.
Comment: Not observed at significant frequency in large population cohorts (gnomAD); In silico analysis supports that this missense variant has a deleterious effect on protein structure/function; Has not been previously published as pathogenic or benign to our knowledge; Variants in candidate genes are classified as variants of uncertain significance in accordance with ACMG guidelines (PMID: 25741868)

NM_022092.3(CHTF18):c.1934A>C (p.His645Pro)

Gene: CHTF18 (chromosome transmission fidelity factor 18; plus strand). Cytogenetic location: 16p13.3.
Variant type: single nucleotide variant.
Coding change: c.1934A>C on transcript NM_022092.3 (MANE Select); coding-DNA position 1934, A replaced by C.
Protein change: p.His645Pro; replaces histidine 645 with proline.
Molecular consequence: missense variant.
Genome position (GRCh38, 1-based): chr16:794,185, A>C. VCF-style: chr16-794185-A-C. GRCh37 (hg19) VCF-style: chr16-844185-A-C.
Other names: short protein forms H645P.
Identifiers: ClinVar variation 3393483 (VCV003393483.1).